The following is an entry in ClinVar:

NM_018896.5(CACNA1G):c.6721C>G (p.Arg2241Gly)

Gene: CACNA1G (calcium voltage-gated channel subunit alpha1 G; plus strand). Cytogenetic location: 17q21.33.
Variant type: single nucleotide variant.
Coding change: c.6721C>G on transcript NM_018896.5 (MANE Select); coding-DNA position 6721, C replaced by G.
Protein change: p.Arg2241Gly; replaces arginine 2241 with glycine.
Molecular consequence: missense variant. On other transcripts: non-coding transcript variant (5).
Genome position (GRCh38, 1-based): chr17:50,626,338, C>G. VCF-style: chr17-50626338-C-G. GRCh37 (hg19) VCF-style: chr17-48703699-C-G.
Other names: c.6532C>G, p.Arg2178Gly (NM_001256324.2); c.6463C>G, p.Arg2155Gly (NM_001256325.2); c.6451C>G, p.Arg2151Gly (NM_001256326.2); c.6421C>G, p.Arg2141Gly (NM_001256327.2); c.6367C>G, p.Arg2123Gly (NM_001256328.2); c.6340C>G, p.Arg2114Gly (NM_001256329.2, NM_198387.3); c.6307C>G, p.Arg2103Gly (NM_001256330.2); c.6286C>G, p.Arg2096Gly (NM_001256331.2); and 18 more; short protein forms R2110G, R2114G, R2125G, R2141G, R2162G, R2207G, R2035G, R2121G.
Identifiers: ClinVar variation 4087913 (VCV004087913.1).

ClinVar aggregate classification (germline): Uncertain significance (1 of 4 stars; one submission).

gnomAD v4.1: 3 of 1,613,194 alleles (0.00019%); highest among the groups gnomAD compares: Non-Finnish European, 0.00025%; no homozygotes.

Submission:

GeneDx
Classification: Uncertain significance. Last evaluated: 2025-03-25. Review status: criteria provided, single submitter. Criteria: GeneDx Variant Classification Process June 2021. Collection method: clinical testing. Allele origin: germline. Affected: yes.
Comment: Not observed at significant frequency in large population cohorts (gnomAD); In silico analysis supports that this missense variant has a deleterious effect on protein structure/function; Has not been previously published as pathogenic or benign to our knowledge